The following is an entry in ClinVar:

NM_000063.6(C2):c.256C>T (p.Pro86Ser)

Gene: C2 (complement C2; plus strand). Cytogenetic location: 6p21.33.
Variant type: single nucleotide variant.
Coding change: c.256C>T on transcript NM_000063.6 (MANE Select); coding-DNA position 256, C replaced by T.
Protein change: p.Pro86Ser; replaces proline 86 with serine.
Molecular consequence: missense variant. On other transcripts: synonymous variant (1), intron variant (3).
Genome position (GRCh38, 1-based): chr6:31,928,164, C>T. VCF-style: chr6-31928164-C-T. GRCh37 (hg19) VCF-style: chr6-31895941-C-T.
Other names: c.141C>T, p.Asn47= (NM_001282458.2); c.256C>T, p.Pro86Ser (NM_001282459.2); c.-63-5446C>T (NM_001282457.2); c.74-5446C>T (NM_001178063.3); c.46+366C>T (NM_001145903.3); short protein forms P86S.
Identifiers: ClinVar variation 3709260 (VCV003709260.2).

ClinVar aggregate classification (germline): Uncertain significance (1 of 4 stars; one submission).

Submission:

Labcorp Genetics (formerly Invitae), Labcorp
Classification: Uncertain significance. Last evaluated: 2024-10-17. Review status: criteria provided, single submitter. Criteria: Invitae Variant Classification Sherloc (09022015). Collection method: clinical testing. Allele origin: germline.
Comment: This sequence change replaces proline, which is neutral and non-polar, with serine, which is neutral and polar, at codon 86 of the C2 protein (p.Pro86Ser). This variant is present in population databases (rs567227615, gnomAD 0.004%). This variant has not been reported in the literature in individuals affected with C2-related conditions. An algorithm developed to predict the effect of missense changes on protein structure and function outputs the following: PolyPhen-2: "Benign". The serine amino acid residue is found in multiple mammalian species, which suggests that this missense change does not adversely affect protein function. In summary, the available evidence is currently insufficient to determine the role of this variant in disease. Therefore, it has been classified as a Variant of Uncertain Significance.